The following is an entry in ClinVar:

ClinVar aggregate classification (germline): Uncertain significance (1 of 4 stars; one submission).

gnomAD v4.1: 1 of 1,610,544 alleles (0.000062%); highest among the groups gnomAD compares: Non-Finnish European, 0.000085%; no homozygotes.

Submission:

Labcorp Genetics (formerly Invitae), Labcorp
Classification: Uncertain significance. Last evaluated: 2021-11-17. Review status: criteria provided, single submitter. Criteria: Invitae Variant Classification Sherloc (09022015). Collection method: clinical testing. Allele origin: germline.
Comment: Variants that disrupt the consensus splice site are a relatively common cause of aberrant splicing (PMID: 17576681, 9536098). Algorithms developed to predict the effect of sequence changes on RNA splicing suggest that this variant is not likely to affect RNA splicing. In summary, the available evidence is currently insufficient to determine the role of this variant in disease. Therefore, it has been classified as a Variant of Uncertain Significance. This variant has not been reported in the literature in individuals affected with RIMS1-related conditions. This variant is not present in population databases (gnomAD no frequency). This sequence change falls in intron 18 of the RIMS1 gene. It does not directly change the encoded amino acid sequence of the RIMS1 protein. It affects a nucleotide within the consensus splice site.

Literature cited by the submitters: PubMed 17576681; PubMed 9536098.

NM_014989.7(RIMS1):c.3053+6T>A

Gene: RIMS1 (regulating synaptic membrane exocytosis 1; plus strand). Cytogenetic location: 6q13.
Variant type: single nucleotide variant.
Coding change: c.3053+6T>A on transcript NM_014989.7 (MANE Select); 6 bases into the intron after coding-DNA position 3053, T replaced by A.
Molecular consequence: intron variant.
Genome position (GRCh38, 1-based): chr6:72,259,117, T>A. VCF-style: chr6-72259117-T-A. GRCh37 (hg19) VCF-style: chr6-72968820-T-A.
Other names: c.1406+6T>A (NM_001350428.2, NM_001350459.2, NM_001350424.2 and 1 more transcripts); c.1403+6T>A (NM_001350437.2, NM_001350430.2, NM_001350421.2 and 2 more transcripts); c.1475+6T>A (NM_001350458.2, NM_001350433.2, NM_001350446.2 and 15 more transcripts); c.1472+6T>A (NM_001350436.2, NM_001350434.2, NM_001350418.2 and 19 more transcripts); c.1232+6T>A (NM_001350469.2, NM_001168409.2, NM_001350466.2 and 3 more transcripts); c.1229+6T>A (NM_001350461.2, NM_001350463.2, NM_001350468.2); c.1430+6T>A (NM_001350470.2, NM_001168410.2, NM_001350473.2 and 1 more transcripts); c.1427+6T>A (NM_001350472.2).
Identifiers: ClinVar variation 1519166 (VCV001519166.6), dbSNP rs2154155856, ClinGen allele CA2573141328.